The following is an entry in ClinVar:

ClinVar aggregate classification (germline): Uncertain significance (1 of 4 stars; one submission).

Conditions:
Hereditary cancer-predisposing syndrome. Also called: Tumor predisposition; Hereditary Cancer Syndrome; Hereditary neoplastic syndrome; Neoplastic Syndromes, Hereditary. Identifiers: Orphanet 140162, MedGen C0027672, MeSH D009386, MONDO:0015356.

Submission:

Ambry Genetics
Classification: Uncertain significance for Hereditary cancer-predisposing syndrome. Last evaluated: 2023-07-21. Review status: criteria provided, single submitter. Criteria: Ambry Variant Classification Scheme 2023. Collection method: clinical testing. Allele origin: germline.
Comment: The p.L679F variant (also known as c.2037G>C), located in coding exon 4 of the MSH6 gene, results from a G to C substitution at nucleotide position 2037. The leucine at codon 679 is replaced by phenylalanine, an amino acid with highly similar properties. This amino acid position is highly conserved in available vertebrate species. In addition, this alteration is predicted to be deleterious by in silico analysis. Since supporting evidence is limited at this time, the clinical significance of this alteration remains unclear.

NM_000179.3(MSH6):c.2037G>C (p.Leu679Phe)

Gene: MSH6 (mutS homolog 6; plus strand). Cytogenetic location: 2p16.3.
Variant type: single nucleotide variant.
Coding change: c.2037G>C on transcript NM_000179.3 (MANE Select); coding-DNA position 2037, G replaced by C.
Protein change: p.Leu679Phe; replaces leucine 679 with phenylalanine.
Molecular consequence: missense variant. On other transcripts: non-coding transcript variant (5), intron variant (2).
Genome position (GRCh38, 1-based): chr2:47,800,020, G>C. VCF-style: chr2-47800020-G-C. GRCh37 (hg19) VCF-style: chr2-48027159-G-C.
Other names: c.1512G>C, p.Leu504Phe (NM_001406806.1, NM_001406807.1, NM_001406799.1); c.1131G>C, p.Leu377Phe (NM_001406811.1, NM_001406812.1, NM_001406814.1 and 6 more transcripts); c.2043G>C, p.Leu681Phe (NM_001406813.1); c.2037G>C, p.Leu679Phe (NM_001406808.1, NM_001406809.1, NM_001406796.1 and 3 more transcripts); c.1647G>C, p.Leu549Phe (NM_001281492.2); c.2133G>C, p.Leu711Phe (NM_001406795.1, NM_001406802.1); c.1740G>C, p.Leu580Phe (NM_001406797.1, NM_001406801.1, NM_001406805.1 and 10 more transcripts); c.1959G>C, p.Leu653Phe (NM_001406804.1); and 3 more; short protein forms L377F, L549F, L504F, L580F, L623F, L679F, L653F, L681F.
Identifiers: ClinVar variation 2587334 (VCV002587334.2), dbSNP rs2104385089, ClinGen allele CA346750735.
Genomic context (GRCh38, chr2:47,800,020, plus strand): 5'-TAAAGGTATGACTTCAGAGTCTGATTCCATTGGGTTGACACCAGGAGAGAAAAGTGAATT[G>C]GCCCTCTCTGCTCTAGGTGGTTGTGTCTTCTACCTCAAAAAATGCCTTATTGATCAGGAG-3'
Protein context (NP_000170.1, residues 669-689): IGLTPGEKSE[Leu679Phe]ALSALGGCVF